The following is an entry in ClinVar:

NM_001267550.2(TTN):c.52103-3T>G

Genes: TTN-AS1 (TTN antisense RNA 1; plus strand), TTN (titin; minus strand). Cytogenetic location: 2q31.2.
Variant type: single nucleotide variant.
Coding change: c.52103-3T>G on transcript NM_001267550.2 (MANE Select); 3 bases into the intron before coding-DNA position 52103, T replaced by G.
Molecular consequence: intron variant.
Genome position (GRCh38, 1-based): chr2:178,608,911, A>C on the plus strand (T>G on the coding strand, the complement: TTN is on the minus strand). VCF-style: chr2-178608911-A-C. GRCh37 (hg19) VCF-style: chr2-179473638-A-C.
Other names: c.24908-3T>G (NM_003319.4); c.25484-3T>G (NM_133437.4); c.25283-3T>G (NM_133432.3); c.44399-3T>G (NM_133378.4); c.47180-3T>G (NM_001256850.1).
Identifiers: ClinVar variation 2586554 (VCV002586554.3), dbSNP rs2470359074, ClinGen allele CA2582342036.

ClinVar aggregate classification (germline): Uncertain significance. Review status: criteria provided, multiple submitters, no conflicts (2 of 4 stars). 2 submissions from 2 submitters: Uncertain significance (2). Last evaluated 2025-10-21.

Conditions:
Cardiovascular phenotype. Identifiers: MedGen CN230736.
Dilated cardiomyopathy 1G (CMD1G). Identifiers: Orphanet 154, MedGen C1858763, MONDO:0011400, OMIM 604145.

Allele frequency attached by ClinVar (database versions not stated): gnomAD exomes below 0.00001.
gnomAD v4.1: 1 of 1,605,358 alleles (0.000062%); highest among the groups gnomAD compares: Non-Finnish European, 0.000085%; no homozygotes.

Submissions (2):

Victorian Clinical Genetics Services, Murdoch Childrens Research Institute
Classification: Uncertain significance for Dilated cardiomyopathy 1G. Last evaluated: 2025-10-21. Review status: criteria provided, single submitter. Criteria: ACMG Guidelines, 2015. Collection method: clinical testing. Allele origin: germline. Affected: yes.
Comment: This variant is classified as VUS-3B. Evidence in support of pathogenic classification: Non-canonical splice site variant without proven consequence on splicing (no functional evidence available); Variant is present in gnomAD <0.01 (v4: 1 heterozygote(s), 0 homozygote(s)). Additional information: This variant is heterozygous; This gene is associated with both recessive and dominant disease (OMIM); Previous evidence of pathogenicity for this variant is inconclusive. It has been classified as VUS by one clinical laboratory in ClinVar; No published evidence of segregation with disease has been identified for this variant; No published functional evidence has been identified for this variant; No comparable non-canonical variants in this splice junction have previous evidence for pathogenicity; In silico prediction for abnormal splicing and nucleotide conservation are conflicting. The nucleotide at this position is moderately conserved. Splice AI predicts this variant will have a splicing effect. - Loss of function is a known mechanism of disease in this gene. In addition, dominant negative is also a suggested mechanism (PMID: 25589632); The condition associated with this gene has incomplete penetrance. Variants in this gene that result in a premature termination codon (PTC) are known to have reduced penetrance in DCM (PMID: 25589632); Inheritance information for this variant is not currently available in this individual.

Ambry Genetics
Classification: Uncertain significance for Cardiovascular phenotype. Last evaluated: 2023-09-01. Review status: criteria provided, single submitter. Criteria: Ambry Variant Classification Scheme 2023. Collection method: clinical testing. Allele origin: germline.
Comment: The c.24908-3T>G intronic variant results from a T to G substitution 3 nucleotides upstream from coding exon 101 in the TTN gene. This nucleotide position is not well conserved in available vertebrate species. In silico splice site analysis predicts that this alteration will weaken the native splice acceptor site. Since supporting evidence is limited at this time, the clinical significance of this alteration remains unclear.

Literature cited by the submitters: PubMed 25589632 (cited by Victorian Clinical Genetics Services, Murdoch Childrens Research Institute).